The following is an entry in ClinVar:

NM_005379.4(MYO1A):c.522C>T (p.Leu174=)

Genes: MYO1A (myosin IA; minus strand), LOC126861538 (BRD4-independent group 4 enhancer GRCh37_chr12:57440635-57441834; plus strand). Cytogenetic location: 12q13.3.
Variant type: single nucleotide variant.
Coding change: c.522C>T on transcript NM_005379.4 (MANE Select); coding-DNA position 522, C replaced by T.
Protein change: p.Leu174=; no amino-acid change (leucine 174 retained).
Molecular consequence: synonymous variant.
Genome position (GRCh38, 1-based): chr12:57,046,882, G>A on the plus strand (C>T on the coding strand, the complement: MYO1A is on the minus strand). VCF-style: chr12-57046882-G-A. GRCh37 (hg19) VCF-style: chr12-57440666-G-A.
Other names: c.522C>T, p.Leu174= (NM_001256041.2).
Identifiers: ClinVar variation 164599 (VCV000164599.10), dbSNP rs561295735, ClinGen allele CA177321.
Genomic context (GRCh38, chr12:57,046,882, plus strand): 5'-GCAGGTGGAAGACAGGTGAGTGGAATTGGGGAGACACGTACAGTTTGTGATGACACCACC[G>A]AGGGGGGATCCCTTGAAGTCAAATTCAATATCCATGTATTTTCCCTTCAGAGAGAGACCA-3'
Protein context (NP_005370.1, residues 164-184): DIEFDFKGSP[Leu174=]GGVITNYLLE

ClinVar aggregate classification (germline): Likely benign. Review status: criteria provided, single submitter (1 of 4 stars). 2 submissions from 2 submitters: Likely benign (1). 1 of the submissions does not count toward it. Last evaluated 2013-04-04.

Conditions:
MYO1A-related disorder. Also called: MYO1A-related condition.

Allele frequency attached by ClinVar (database versions not stated): gnomAD 0.00001 and 0.00018; TOPMed 0.00003; gnomAD exomes 0.00016 and 0.00031; ExAC 0.00035; 1000 Genomes Project 30x 0.00094; 1000 Genomes Project 0.00120.

Submissions (2):

Laboratory for Molecular Medicine, Mass General Brigham Personalized Medicine
Classification: Likely benign. Last evaluated: 2013-04-04. Review status: criteria provided, single submitter. Criteria: LMM Criteria. Collection method: clinical testing. Allele origin: germline. Observed: 1 variant allele.
Comment: The Leu174Leu variant in exon 07 of MYO1A: This variant is not expected to have clinical significance because it does not alter an amino acid residue and is not located near a splice junction.

PreventionGenetics, part of Exact Sciences
Classification: Likely benign for MYO1A-related condition. Last evaluated: 2019-07-12. Review status: no assertion criteria provided. Collection method: clinical testing. Allele origin: germline. Not counted in ClinVar's aggregate classification.
Comment: This variant is classified as likely benign based on ACMG/AMP sequence variant interpretation guidelines (Richards et al. 2015 PMID: 25741868, with internal and published modifications).